The following is an entry in ClinVar:

NM_021220.4(OVOL2):c.496G>A (p.Val166Ile)

Gene: OVOL2 (ovo like zinc finger 2; minus strand). Cytogenetic location: 20p11.23.
Variant type: single nucleotide variant.
Coding change: c.496G>A on transcript NM_021220.4 (MANE Select); coding-DNA position 496, G replaced by A.
Protein change: p.Val166Ile; replaces valine 166 with isoleucine.
Molecular consequence: missense variant.
Genome position (GRCh38, 1-based): chr20:18,041,549, C>T on the plus strand (G>A on the coding strand, the complement: OVOL2 is on the minus strand). VCF-style: chr20-18041549-C-T. GRCh37 (hg19) VCF-style: chr20-18022193-C-T.
Other names: c.100G>A, p.Val34Ile (NM_001303461.1, NM_001303462.1); short protein forms V34I, V166I.
Identifiers: ClinVar variation 2463761 (VCV002463761.6), dbSNP rs367914989, ClinGen allele CA9775211.

ClinVar aggregate classification (germline): Uncertain significance. Review status: criteria provided, multiple submitters, no conflicts (2 of 4 stars). 2 submissions from 2 submitters: Uncertain significance (2). Last evaluated 2025-04-12.

Allele frequency attached by ClinVar (database versions not stated): ExAC 0.00001; TOPMed 0.00001; gnomAD 0.00003; gnomAD exomes 0.00004; ESP Exome Variant Server 0.00008.
gnomAD v4.1: 64 of 1,612,934 alleles (0.004%); highest among the groups gnomAD compares: Middle Eastern, 0.033%; no homozygotes.

Submissions (2):

Ambry Genetics
Classification: Uncertain significance. Last evaluated: 2025-04-12. Review status: criteria provided, single submitter. Criteria: Ambry Variant Classification Scheme 2023. Collection method: clinical testing. Allele origin: germline.

Labcorp Genetics (formerly Invitae), Labcorp
Classification: Uncertain significance. Last evaluated: 2024-03-02. Review status: criteria provided, single submitter. Criteria: Invitae Variant Classification Sherloc (09022015). Collection method: clinical testing. Allele origin: germline.
Comment: This sequence change replaces valine, which is neutral and non-polar, with isoleucine, which is neutral and non-polar, at codon 166 of the OVOL2 protein (p.Val166Ile). This variant is present in population databases (rs367914989, gnomAD 0.006%). This variant has not been reported in the literature in individuals affected with OVOL2-related conditions. ClinVar contains an entry for this variant (Variation ID: 2463761). An algorithm developed to predict the effect of missense changes on protein structure and function (PolyPhen-2) suggests that this variant is likely to be tolerated. In summary, the available evidence is currently insufficient to determine the role of this variant in disease. Therefore, it has been classified as a Variant of Uncertain Significance.